The following is an entry in ClinVar:

ClinVar aggregate classification (germline): Uncertain significance (1 of 4 stars; one submission).

Conditions:
Autosomal dominant nonsyndromic hearing loss 65. Also called: Deafness, autosomal dominant 65; TBC1D24-Related Autosomal Dominant Nonsyndromic Hearing Loss (DFNA). Identifiers: Orphanet 90635, MedGen C3892048, MONDO:0014470, OMIM 616044.
Developmental and epileptic encephalopathy, 1 (DEE1). Also called: X-linked infantile spasms; West's syndrome; Tonic spasms with clustering, arrest of psychomotor development and hypsarrhythmia on EEG; X-Linked Infantile Spasm Syndrome; OHTAHARA SYNDROME, X-LINKED; INFANTILE SPASM SYNDROME, X-LINKED 1. Identifiers: MedGen C3463992, MONDO:0010632, OMIM 308350. Disease mechanism: loss of function.

Submission:

Labcorp Genetics (formerly Invitae), Labcorp
Classification: Uncertain significance for Developmental and epileptic encephalopathy, 1; Autosomal dominant nonsyndromic hearing loss 65. Last evaluated: 2021-03-08. Review status: criteria provided, single submitter. Criteria: Invitae Variant Classification Sherloc (09022015). Collection method: clinical testing. Allele origin: germline.
Comment: In summary, the available evidence is currently insufficient to determine the role of this variant in disease. Therefore, it has been classified as a Variant of Uncertain Significance. Advanced modeling of protein sequence and biophysical properties (such as structural, functional, and spatial information, amino acid conservation, physicochemical variation, residue mobility, and thermodynamic stability) performed at Invitae indicates that this missense variant is not expected to disrupt TBC1D24 protein function. This variant has not been reported in the literature in individuals with TBC1D24-related conditions. This variant is not present in population databases (ExAC no frequency). This sequence change replaces alanine with threonine at codon 210 of the TBC1D24 protein (p.Ala210Thr). The alanine residue is weakly conserved and there is a small physicochemical difference between alanine and threonine.

NM_001199107.2(TBC1D24):c.628G>A (p.Ala210Thr)

Gene: TBC1D24 (TBC1 domain family member 24; plus strand). Cytogenetic location: 16p13.3.
Variant type: single nucleotide variant.
Coding change: c.628G>A on transcript NM_001199107.2 (MANE Select); coding-DNA position 628, G replaced by A.
Protein change: p.Ala210Thr; replaces alanine 210 with threonine.
Molecular consequence: missense variant.
Genome position (GRCh38, 1-based): chr16:2,496,776, G>A. VCF-style: chr16-2496776-G-A. GRCh37 (hg19) VCF-style: chr16-2546777-G-A.
Other names: c.628G>A, p.Ala210Thr (NM_020705.3); short protein forms A210T.
Identifiers: ClinVar variation 1447668 (VCV001447668.8), dbSNP rs2141872095, ClinGen allele CA394376782.
Genomic context (GRCh38, chr16:2,496,776, plus strand): 5'-TACTGCCAGGCGGCCCACAAGCTGATGGTGGCCGTGTCGGAGGATGTCCTGCAGGTCTAT[G>A]CGGACTGGCAGCGCTGGCTGTTTGGGGAGCTGCCCCTCTGCTACTTCGCCCGGGTCTTTG-3'
Protein context (NP_001186036.1, residues 200-220): AVSEDVLQVY[Ala210Thr]DWQRWLFGEL